The following is an entry in ClinVar:

ClinVar aggregate classification (germline): Uncertain significance. Review status: criteria provided, multiple submitters, no conflicts (2 of 4 stars). 2 submissions from 2 submitters: Uncertain significance (2). Last evaluated 2025-08-14.

Conditions:
Hereditary cancer-predisposing syndrome. Also called: Neoplastic Syndromes, Hereditary; Hereditary Cancer Syndrome; Tumor predisposition; Hereditary neoplastic syndrome. Identifiers: Orphanet 140162, MedGen C0027672, MeSH D009386, MONDO:0015356.
Hereditary nonpolyposis colorectal neoplasms. Identifiers: MedGen C0009405, MeSH D003123.

gnomAD v4.1: 1 of 1,614,182 alleles (0.000062%); highest among the groups gnomAD compares: Non-Finnish European, 0.000085%; no homozygotes.

Submissions (2):

Ambry Genetics
Classification: Uncertain significance for Hereditary cancer-predisposing syndrome. Last evaluated: 2025-08-14. Review status: criteria provided, single submitter. Criteria: Ambry Variant Classification Scheme 2023. Collection method: clinical testing. Allele origin: germline.
Comment: The p.D284Y variant (also known as c.850G>T), located in coding exon 4 of the MSH6 gene, results from a G to T substitution at nucleotide position 850. The aspartic acid at codon 284 is replaced by tyrosine, an amino acid with highly dissimilar properties. This amino acid position is not well conserved in available vertebrate species. In addition, the in silico prediction for this alteration is inconclusive. Since supporting evidence is limited at this time, the clinical significance of this alteration remains unclear.

Labcorp Genetics (formerly Invitae), Labcorp
Classification: Uncertain significance for Hereditary nonpolyposis colorectal neoplasms. Last evaluated: 2020-03-17. Review status: criteria provided, single submitter. Criteria: Invitae Variant Classification Sherloc (09022015). Collection method: clinical testing. Allele origin: germline.
Comment: This variant has not been reported in the literature in individuals with MSH6-related conditions. This variant is not present in population databases (ExAC no frequency). This sequence change replaces aspartic acid with tyrosine at codon 284 of the MSH6 protein (p.Asp284Tyr). The aspartic acid residue is weakly conserved and there is a large physicochemical difference between aspartic acid and tyrosine. Algorithms developed to predict the effect of missense changes on protein structure and function are either unavailable or do not agree on the potential impact of this missense change (SIFT: "Deleterious"; PolyPhen-2: "Possibly Damaging"; Align-GVGD: "Class C0"). Algorithms developed to predict the effect of sequence changes on RNA splicing suggest that this variant may create or strengthen a splice site, but this prediction has not been confirmed by published transcriptional studies. In summary, the available evidence is currently insufficient to determine the role of this variant in disease. Therefore, it has been classified as a Variant of Uncertain Significance.

NM_000179.3(MSH6):c.850G>T (p.Asp284Tyr)

Gene: MSH6 (mutS homolog 6; plus strand). Cytogenetic location: 2p16.3.
Variant type: single nucleotide variant.
Coding change: c.850G>T on transcript NM_000179.3 (MANE Select); coding-DNA position 850, G replaced by T.
Protein change: p.Asp284Tyr; replaces aspartic acid 284 with tyrosine.
Molecular consequence: missense variant. On other transcripts: 5 prime UTR variant (2).
Genome position (GRCh38, 1-based): chr2:47,798,833, G>T. VCF-style: chr2-47798833-G-T. GRCh37 (hg19) VCF-style: chr2-48025972-G-T.
Other names: c.460G>T, p.Asp154Tyr (NM_001281492.2); c.-57G>T (NM_001281493.2, NM_001281494.2); short protein forms D284Y, D154Y.
Identifiers: ClinVar variation 854307 (VCV000854307.14), dbSNP rs1553412286, ClinGen allele CA346740546.